The following is an entry in ClinVar:

NM_003190.5(TAPBP):c.71T>C (p.Val24Ala)

Gene: TAPBP (TAP binding protein; minus strand). Cytogenetic location: 6p21.32.
Variant type: single nucleotide variant.
Coding change: c.71T>C on transcript NM_003190.5 (MANE Select); coding-DNA position 71, T replaced by C.
Protein change: p.Val24Ala; replaces valine 24 with alanine.
Molecular consequence: missense variant.
Genome position (GRCh38, 1-based): chr6:33,313,831, A>G on the plus strand (T>C on the coding strand, the complement: TAPBP is on the minus strand). VCF-style: chr6-33313831-A-G. GRCh37 (hg19) VCF-style: chr6-33281608-A-G.
Other names: c.71T>C, p.Val24Ala (NM_172209.3, NM_172208.3); short protein forms V24A.
Identifiers: ClinVar variation 1521223 (VCV001521223.8), dbSNP rs2150976134, ClinGen allele CA363623405.

ClinVar aggregate classification (germline): Uncertain significance (1 of 4 stars; one submission).

Conditions:
MHC class I deficiency. Identifiers: Orphanet 34592, MedGen C6024714, MONDO:0011476.

Submission:

Labcorp Genetics (formerly Invitae), Labcorp
Classification: Uncertain significance for MHC class I deficiency 1. Last evaluated: 2024-11-04. Review status: criteria provided, single submitter. Criteria: Invitae Variant Classification Sherloc (09022015). Collection method: clinical testing. Allele origin: germline.
Comment: This sequence change replaces valine, which is neutral and non-polar, with alanine, which is neutral and non-polar, at codon 24 of the TAPBP protein (p.Val24Ala). This variant is not present in population databases (gnomAD no frequency). This variant has not been reported in the literature in individuals affected with TAPBP-related conditions. ClinVar contains an entry for this variant (Variation ID: 1521223). An algorithm developed to predict the effect of missense changes on protein structure and function outputs the following: PolyPhen-2: "Benign". The alanine amino acid residue is found in multiple mammalian species, which suggests that this missense change does not adversely affect protein function. In summary, the available evidence is currently insufficient to determine the role of this variant in disease. Therefore, it has been classified as a Variant of Uncertain Significance.